The following is an entry in ClinVar:

ClinVar aggregate classification (germline): Uncertain significance (1 of 4 stars; one submission).

Allele frequency attached by ClinVar (database versions not stated): gnomAD 0.00001; TOPMed 0.00001.
gnomAD v4.1: 10 of 1,546,610 alleles (0.00065%); highest among the groups gnomAD compares: Non-Finnish European, 0.00069%; no homozygotes.

Submission:

Labcorp Genetics (formerly Invitae), Labcorp
Classification: Uncertain significance. Last evaluated: 2023-12-10. Review status: criteria provided, single submitter. Criteria: Invitae Variant Classification Sherloc (09022015). Collection method: clinical testing. Allele origin: germline.
Comment: This sequence change replaces arginine, which is basic and polar, with tryptophan, which is neutral and slightly polar, at codon 2100 of the SPEG protein (p.Arg2100Trp). The frequency data for this variant in the population databases is considered unreliable, as metrics indicate poor data quality at this position in the gnomAD database. This variant has not been reported in the literature in individuals affected with SPEG-related conditions. ClinVar contains an entry for this variant (Variation ID: 2190442). An algorithm developed to predict the effect of missense changes on protein structure and function (PolyPhen-2) suggests that this variant is likely to be disruptive. In summary, the available evidence is currently insufficient to determine the role of this variant in disease. Therefore, it has been classified as a Variant of Uncertain Significance.

NM_005876.5(SPEG):c.6298C>T (p.Arg2100Trp)

Genes: ASIC4-AS1 (ASIC4 antisense RNA 1; minus strand), SPEG (striated muscle enriched protein kinase; plus strand). Cytogenetic location: 2q35.
Variant type: single nucleotide variant.
Coding change: c.6298C>T on transcript NM_005876.5 (MANE Select); coding-DNA position 6298, C replaced by T.
Protein change: p.Arg2100Trp; replaces arginine 2100 with tryptophan.
Molecular consequence: missense variant.
Genome position (GRCh38, 1-based): chr2:219,483,761, C>T. VCF-style: chr2-219483761-C-T. GRCh37 (hg19) VCF-style: chr2-220348483-C-T.
Other names: short protein forms R2100W.
Identifiers: ClinVar variation 2190442 (VCV002190442.2), dbSNP rs1406855204, ClinGen allele CA350697370.